The following is an entry in ClinVar:

ClinVar aggregate classification (germline): Uncertain significance. Review status: criteria provided, multiple submitters, no conflicts (2 of 4 stars). 2 submissions from 2 submitters: Uncertain significance (2). Last evaluated 2024-10-31.

Conditions:
Hereditary nonpolyposis colorectal neoplasms. Identifiers: MedGen C0009405, MeSH D003123.
Hereditary cancer-predisposing syndrome. Also called: Hereditary Cancer Syndrome; Hereditary neoplastic syndrome; Neoplastic Syndromes, Hereditary; Tumor predisposition. Identifiers: Orphanet 140162, MedGen C0027672, MeSH D009386, MONDO:0015356.

Submissions (2):

Ambry Genetics
Classification: Uncertain significance for Hereditary cancer-predisposing syndrome. Last evaluated: 2024-10-31. Review status: criteria provided, single submitter. Criteria: Ambry Variant Classification Scheme 2023. Collection method: clinical testing. Allele origin: germline.
Comment: The p.E44D variant (also known as c.132A>C), located in coding exon 2 of the PMS2 gene, results from an A to C substitution at nucleotide position 132. The glutamic acid at codon 44 is replaced by aspartic acid, an amino acid with highly similar properties. This amino acid position is highly conserved in available vertebrate species. In addition, this alteration is predicted to be deleterious by in silico analysis. Based on the available evidence, the clinical significance of this variant remains unclear.

Labcorp Genetics (formerly Invitae), Labcorp
Classification: Uncertain significance for Hereditary nonpolyposis colorectal neoplasms. Last evaluated: 2023-03-04. Review status: criteria provided, single submitter. Criteria: Invitae Variant Classification Sherloc (09022015). Collection method: clinical testing. Allele origin: germline.
Comment: This sequence change replaces glutamic acid, which is acidic and polar, with aspartic acid, which is acidic and polar, at codon 44 of the PMS2 protein (p.Glu44Asp). This variant is not present in population databases (gnomAD no frequency). This variant has not been reported in the literature in individuals affected with PMS2-related conditions. ClinVar contains an entry for this variant (Variation ID: 1770093). Advanced modeling of protein sequence and biophysical properties (such as structural, functional, and spatial information, amino acid conservation, physicochemical variation, residue mobility, and thermodynamic stability) has been performed at Invitae for this missense variant, however the output from this modeling did not meet the statistical confidence thresholds required to predict the impact of this variant on PMS2 protein function. In summary, the available evidence is currently insufficient to determine the role of this variant in disease. Therefore, it has been classified as a Variant of Uncertain Significance.

NM_000535.7(PMS2):c.132A>C (p.Glu44Asp)

Gene: PMS2 (PMS1 homolog 2, mismatch repair system component; minus strand). Cytogenetic location: 7p22.1.
Variant type: single nucleotide variant.
Coding change: c.132A>C on transcript NM_000535.7 (MANE Select); coding-DNA position 132, A replaced by C.
Protein change: p.Glu44Asp; replaces glutamic acid 44 with aspartic acid.
Molecular consequence: missense variant. On other transcripts: 5 prime UTR variant (8), non-coding transcript variant (1), intron variant (3).
Genome position (GRCh38, 1-based): chr7:6,005,923, T>G on the plus strand (A>C on the coding strand, the complement: PMS2 is on the minus strand). VCF-style: chr7-6005923-T-G. GRCh37 (hg19) VCF-style: chr7-6045554-T-G.
Other names: c.-274A>C (NM_001018040.1, NM_001322003.2, NM_001322005.2 and 11 more transcripts); c.132A>C, p.Glu44Asp (NM_001322006.2, NM_001322014.2, NM_001406868.1 and 10 more transcripts); c.-84A>C (NM_001322007.2, NM_001406876.1, NM_001406883.1 and 4 more transcripts); c.-753A>C (NM_001322011.2, NM_001322012.2); c.-353A>C (NM_001322015.2, NM_001406875.1, NM_001406877.1 and 2 more transcripts); c.318A>C, p.Glu106Asp (NM_001406866.1); c.-300A>C (NM_001406880.1); c.-221A>C (NM_001406888.1, NM_001406889.1, NM_001406892.1 and 5 more transcripts); and 4 more; short protein forms E44D, E106D.
Identifiers: ClinVar variation 1770093 (VCV001770093.6), dbSNP rs2536582921, ClinGen allele CA366745004.